The following is an entry in ClinVar:

ClinVar aggregate classification (germline): Conflicting classifications of pathogenicity. Review status: criteria provided, conflicting classifications (1 of 4 stars). 6 submissions from 5 submitters: Uncertain significance (4); Likely benign (2). Last evaluated 2026-01-19.

Conditions:
Autosomal recessive nonsyndromic hearing loss 12. Also called: DEAFNESS, AUTOSOMAL RECESSIVE 12. Identifiers: Orphanet 90636, MedGen C1832394, MONDO:0011067, OMIM 601386.
CDH23-related disorder. Also called: CDH23-related condition; CDH23-related disorders.
Usher syndrome type 1D (USH1D). Also called: USHER SYNDROME, TYPE ID. Identifiers: Orphanet 231169, Orphanet 886, MedGen C1832845, MONDO:0010984, OMIM 601067.

Allele frequency attached by ClinVar (database versions not stated): gnomAD exomes 0.00007 and 0.00012; gnomAD 0.00009 and 0.00010; TOPMed 0.00009; ExAC 0.00012; ESP Exome Variant Server 0.00024.
gnomAD v4.1: 116 of 1,612,886 alleles (0.0072%); highest among the groups gnomAD compares: Non-Finnish European, 0.0027%; no homozygotes.

Submissions (6):

Labcorp Genetics (formerly Invitae), Labcorp
Classification: Likely benign. Last evaluated: 2026-01-19. Review status: criteria provided, single submitter. Criteria: Invitae Variant Classification Sherloc (09022015). Collection method: clinical testing. Allele origin: germline.

PreventionGenetics, part of Exact Sciences
Classification: Likely benign for CDH23-related condition. Last evaluated: 2024-12-20. Review status: criteria provided, single submitter. Criteria: ACMG Guidelines, 2015. Collection method: clinical testing. Allele origin: germline.
Comment: This variant is classified as likely benign based on ACMG/AMP sequence variant interpretation guidelines (Richards et al. 2015 PMID: 25741868, with internal and published modifications).

GeneDx
Classification: Uncertain significance. Last evaluated: 2024-07-16. Review status: criteria provided, single submitter. Criteria: GeneDx Variant Classification Process June 2021. Collection method: clinical testing. Allele origin: germline. Affected: yes.
Comment: In silico analysis supports that this missense variant has a deleterious effect on protein structure/function; Has not been previously published as pathogenic or benign to our knowledge

Blueprint Genetics
Classification: Uncertain significance. Last evaluated: 2024-01-11. Review status: criteria provided, single submitter. Criteria: ACMG Guidelines, 2015. Collection method: clinical testing. Allele origin: germline.

Illumina Laboratory Services, Illumina
Classification: Uncertain significance for Autosomal recessive nonsyndromic hearing loss 12. Last evaluated: 2018-01-13. Review status: criteria provided, single submitter. Criteria: ICSL Variant Classification Criteria 13 December 2019. Collection method: clinical testing. Allele origin: germline.

Illumina Laboratory Services, Illumina
Classification: Uncertain significance for Usher syndrome type 1D. Last evaluated: 2018-01-13. Review status: criteria provided, single submitter. Criteria: ICSL Variant Classification Criteria 13 December 2019. Collection method: clinical testing. Allele origin: germline.

NM_022124.6(CDH23):c.8824G>A (p.Asp2942Asn)

Gene: CDH23 (cadherin related 23; plus strand). Cytogenetic location: 10q22.1.
Variant type: single nucleotide variant.
Coding change: c.8824G>A on transcript NM_022124.6 (MANE Select); coding-DNA position 8824, G replaced by A.
Protein change: p.Asp2942Asn; replaces aspartic acid 2942 with asparagine.
Molecular consequence: missense variant.
Genome position (GRCh38, 1-based): chr10:71,809,921, G>A. VCF-style: chr10-71809921-G-A. GRCh37 (hg19) VCF-style: chr10-73569678-G-A.
Other names: c.2104G>A, p.Asp702Asn (NM_001171933.1, NM_001171934.1); short protein forms D2942N, D702N.
Identifiers: ClinVar variation 300465 (VCV000300465.19), dbSNP rs371286324, ClinGen allele CA5546760.
Genomic context (GRCh38, chr10:71,809,921, plus strand): 5'-GCCTACAGCCCCGGCTACTTCGTGGTGGACATTGTGGCCCGAGACCTGGCAGGCCACAAC[G>A]ACACGGCCATCATCGGCATCTACATCCTGAGGGACGACCAGCGCGTCAAGATCGTCATTA-3'
Protein context (NP_071407.4, residues 2932-2952): IVARDLAGHN[Asp2942Asn]TAIIGIYILR